The following is an entry in ClinVar:

NM_001184.4(ATR):c.5621A>G (p.Asp1874Gly)

Gene: ATR (ATR checkpoint kinase; minus strand). Cytogenetic location: 3q23.
Variant type: single nucleotide variant.
Coding change: c.5621A>G on transcript NM_001184.4 (MANE Select); coding-DNA position 5621, A replaced by G.
Protein change: p.Asp1874Gly; replaces aspartic acid 1874 with glycine.
Molecular consequence: missense variant.
Genome position (GRCh38, 1-based): chr3:142,497,130, T>C on the plus strand (A>G on the coding strand, the complement: ATR is on the minus strand). VCF-style: chr3-142497130-T-C. GRCh37 (hg19) VCF-style: chr3-142215972-T-C.
Other names: c.5429A>G, p.Asp1810Gly (NM_001354579.2); short protein forms D1810G, D1874G.
Identifiers: ClinVar variation 2453577 (VCV002453577.2), dbSNP rs1401339049, ClinGen allele CA354814841.

ClinVar aggregate classification (germline): Uncertain significance (1 of 4 stars; one submission).

Conditions:
Inborn genetic diseases. Identifiers: MedGen C0950123, MeSH D030342.

Allele frequency attached by ClinVar (database versions not stated): TOPMed below 0.00001.

Submission:

Ambry Genetics
Classification: Uncertain significance for Inborn genetic diseases. Last evaluated: 2023-01-28. Review status: criteria provided, single submitter. Criteria: Ambry Variant Classification Scheme 2023. Collection method: clinical testing. Allele origin: germline.
Comment: The p.D1874G variant (also known as c.5621A>G), located in coding exon 33 of the ATR gene, results from an A to G substitution at nucleotide position 5621. The aspartic acid at codon 1874 is replaced by glycine, an amino acid with similar properties. This amino acid position is conserved. In addition, this alteration is predicted to be tolerated by in silico analysis. Since supporting evidence is limited at this time, the clinical significance of this alteration remains unclear.